The following is an entry in ClinVar:

NM_004656.4(BAP1):c.1423G>A (p.Ala475Thr)

Gene: BAP1 (BRCA1 associated deubiquitinase 1; minus strand). Cytogenetic location: 3p21.1.
Variant type: single nucleotide variant.
Coding change: c.1423G>A on transcript NM_004656.4 (MANE Select); coding-DNA position 1423, G replaced by A.
Protein change: p.Ala475Thr; replaces alanine 475 with threonine.
Molecular consequence: missense variant.
Genome position (GRCh38, 1-based): chr3:52,403,722, C>T on the plus strand (G>A on the coding strand, the complement: BAP1 is on the minus strand). VCF-style: chr3-52403722-C-T. GRCh37 (hg19) VCF-style: chr3-52437738-C-T.
Other names: c.1369G>A, p.Ala457Thr (NM_001410772.1); short protein forms A457T, A475T.
Identifiers: ClinVar variation 3260403 (VCV003260403.1).

ClinVar aggregate classification (germline): Uncertain significance (1 of 4 stars; one submission).

Conditions:
Hereditary cancer-predisposing syndrome. Also called: Hereditary Cancer Syndrome; Tumor predisposition; Hereditary neoplastic syndrome; Neoplastic Syndromes, Hereditary. Identifiers: Orphanet 140162, MedGen C0027672, MeSH D009386, MONDO:0015356.

Submission:

Ambry Genetics
Classification: Uncertain significance for Hereditary cancer-predisposing syndrome. Last evaluated: 2024-06-24. Review status: criteria provided, single submitter. Criteria: Ambry Variant Classification Scheme 2023. Collection method: clinical testing. Allele origin: germline.
Comment: The p.A475T variant (also known as c.1423G>A), located in coding exon 13 of the BAP1 gene, results from a G to A substitution at nucleotide position 1423. The alanine at codon 475 is replaced by threonine, an amino acid with similar properties. This amino acid position is conserved. In addition, this alteration is predicted to be tolerated by in silico analysis. Based on the available evidence, the clinical significance of this variant remains unclear.